The following is an entry in ClinVar:

ClinVar aggregate classification (germline): Uncertain significance (1 of 4 stars; one submission).

Submission:

GeneDx
Classification: Uncertain significance. Last evaluated: 2023-11-12. Review status: criteria provided, single submitter. Criteria: GeneDx Variant Classification Process June 2021. Collection method: clinical testing. Allele origin: germline. Affected: yes.
Comment: Not observed at significant frequency in large population cohorts (gnomAD); Nonsense variant predicted to result in protein truncation as the last 44 amino acids are lost, although loss-of-function variants have not been reported downstream of this position in the protein; Has not been previously published as pathogenic or benign to our knowledge

NM_021614.4(KCNN2):c.2242C>T (p.Gln748Ter)

Genes: KCNN2 (potassium calcium-activated channel subfamily N member 2; plus strand), LOC101927078 (uncharacterized LOC101927078; minus strand). Cytogenetic location: 5q22.3.
Variant type: single nucleotide variant.
Coding change: c.2242C>T on transcript NM_021614.4 (MANE Select); coding-DNA position 2242, C replaced by T.
Protein change: p.Gln748Ter; replaces glutamine 748 with a stop codon.
Molecular consequence: nonsense. On other transcripts: non-coding transcript variant (2).
Genome position (GRCh38, 1-based): chr5:114,496,048, C>T. VCF-style: chr5-114496048-C-T. GRCh37 (hg19) VCF-style: chr5-113831745-C-T.
Other names: c.2440C>T, p.Gln814Ter (NM_001372233.1); c.562C>T, p.Gln188Ter (NM_170775.3); short protein forms Q188*, Q748*, Q814*.
Identifiers: ClinVar variation 3364117 (VCV003364117.1).